The following is an entry in ClinVar:

ClinVar aggregate classification (germline): Uncertain significance. Review status: criteria provided, multiple submitters, no conflicts (2 of 4 stars). 2 submissions from 2 submitters: Uncertain significance (2). Last evaluated 2026-09-11.

Conditions:
Inborn genetic diseases. Identifiers: MedGen C0950123, MeSH D030342.
LAMA5-related disorder. Also called: LAMA5-Related Disorders; LAMA5-related condition.

Allele frequency attached by ClinVar (database versions not stated): TOPMed 0.00002; ExAC 0.00003; gnomAD 0.00003; gnomAD exomes 0.00003; ESP Exome Variant Server 0.00008; 1000 Genomes Project 30x 0.00016; 1000 Genomes Project 0.00020.
gnomAD v4.1: 47 of 1,611,864 alleles (0.0029%); highest among the groups gnomAD compares: East Asian, 0.062%; no homozygotes.

Submissions (2):

PreventionGenetics, part of Exact Sciences
Classification: Uncertain significance for LAMA5-related condition. Last evaluated: 2026-09-11. Review status: criteria provided, single submitter. Criteria: ACMG Guidelines, 2015. Collection method: clinical testing. Allele origin: germline.
Comment: The LAMA5 c.4132G>A variant is predicted to result in the amino acid substitution p.Val1378Met. To our knowledge, this variant has not been reported in the literature. This variant is reported in 0.027% of alleles in individuals of East Asian descent in gnomAD. At this time, the clinical significance of this variant is uncertain due to the absence of conclusive functional and genetic evidence.

Ambry Genetics
Classification: Uncertain significance for Inborn genetic diseases. Last evaluated: 2022-11-07. Review status: criteria provided, single submitter. Criteria: Ambry Variant Classification Scheme 2023. Collection method: clinical testing. Allele origin: germline.

NM_005560.6(LAMA5):c.4132G>A (p.Val1378Met)

Gene: LAMA5 (laminin subunit alpha 5; minus strand). Cytogenetic location: 20q13.33.
Variant type: single nucleotide variant.
Coding change: c.4132G>A on transcript NM_005560.6 (MANE Select); coding-DNA position 4132, G replaced by A.
Protein change: p.Val1378Met; replaces valine 1378 with methionine.
Molecular consequence: missense variant.
Genome position (GRCh38, 1-based): chr20:62,329,241, C>T on the plus strand (G>A on the coding strand, the complement: LAMA5 is on the minus strand). VCF-style: chr20-62329241-C-T. GRCh37 (hg19) VCF-style: chr20-60904297-C-T.
Other names: c.4132G>A (NM_005560.4); short protein forms V1378M.
Identifiers: ClinVar variation 2323435 (VCV002323435.3), dbSNP rs199705177, ClinGen allele CA9942701.
Genomic context (GRCh38, chr20:62,329,241, plus strand): 5'-AGGATTTATCCAGGGGCTCCTCCCGGAGGTAGCCAAAGCTGTAGACGTTCTCAGGGACCA[C>T]GAGTACATAATCCTAGGGGGTGAGGCCTGGTCACTCTCCCGCGGGCCCAGAGCCTGCAGC-3'
Protein context (NP_005551.3, residues 1368-1388): GRWLWLDYVL[Val1378Met]VPENVYSFGY